The following is an entry in ClinVar:

ClinVar aggregate classification (germline): Likely pathogenic (1 of 4 stars; one submission).

Submission:

Labcorp Genetics (formerly Invitae), Labcorp
Classification: Likely pathogenic. Last evaluated: 2025-05-25. Review status: criteria provided, single submitter. Criteria: Invitae Variant Classification Sherloc (09022015). Collection method: clinical testing. Allele origin: germline.
Comment: This sequence change affects a donor splice site in intron 1 of the RTTN gene. It is expected to disrupt RNA splicing. Variants that disrupt the donor or acceptor splice site typically lead to a loss of protein function (PMID: 16199547), and loss-of-function variants in RTTN are known to be pathogenic (PMID: 26608784, 26846091). This variant is not present in population databases (gnomAD no frequency). This variant has not been reported in the literature in individuals affected with RTTN-related conditions. Algorithms developed to predict the effect of sequence changes on RNA splicing suggest that this variant may disrupt the consensus splice site. In summary, the currently available evidence indicates that the variant is pathogenic, but additional data are needed to prove that conclusively. Therefore, this variant has been classified as Likely Pathogenic.

Literature cited by the submitters: PubMed 16199547; PubMed 26608784; PubMed 26846091.

NM_173630.4(RTTN):c.31+1G>C

Gene: RTTN (rotatin; minus strand). Cytogenetic location: 18q22.2.
Variant type: single nucleotide variant.
Coding change: c.31+1G>C on transcript NM_173630.4 (MANE Select); the canonical splice donor site of the intron after coding-DNA position 31, G replaced by C.
Molecular consequence: splice donor variant.
Genome position (GRCh38, 1-based): chr18:70,205,627, C>G on the plus strand (G>C on the coding strand, the complement: RTTN is on the minus strand). VCF-style: chr18-70205627-C-G. GRCh37 (hg19) VCF-style: chr18-67872863-C-G.
Other names: c.-2523+1G>C (NM_001318520.2).
Identifiers: ClinVar variation 4713020 (VCV004713020.1).